The following is an entry in ClinVar:

NM_007348.4(ATF6):c.1294_1296delinsTAC (p.Gly432Tyr)

Gene: ATF6 (activating transcription factor 6; plus strand). Cytogenetic location: 1q23.3.
Variant type: Indel.
Coding change: c.1294_1296delinsTAC on transcript NM_007348.4 (MANE Select); coding-DNA positions 1294 to 1296, GGT replaced by TAC.
Protein change: p.Gly432Tyr; replaces glycine 432 with tyrosine.
Molecular consequence: missense variant.
Genome position (GRCh38, 1-based): chr1:161,846,555-161,846,557, GGT replaced by TAC. VCF-style: chr1-161846555-GGT-TAC. GRCh37 (hg19) VCF-style: chr1-161816345-GGT-TAC.
Other names: c.1294_1296delGGTinsTAC, p.Gly432Tyr (NM_001410890.1); short protein forms G432Y.
Identifiers: ClinVar variation 2124190 (VCV002124190.4), dbSNP rs2525322413, ClinGen allele CA2580061335.
Genomic context (GRCh38, chr1:161,846,555, plus strand): 5'-GCAAATCAAAGGAGGCACCTTCTAGGATTTTCTGCTAAAGAGGCACAGGACACATCAGAT[GGT>TAC]ATTATCCAGAAAAACAGCTACAGGTAAGATGGCATGCATCTATCTTTTGGCCTAAGTGAT-3'
Protein context (NP_031374.2, residues 422-442): SAKEAQDTSD[Gly432Tyr]IIQKNSYRYD

ClinVar aggregate classification (germline): Uncertain significance (1 of 4 stars; one submission).

Submission:

Labcorp Genetics (formerly Invitae), Labcorp
Classification: Uncertain significance. Last evaluated: 2022-09-01. Review status: criteria provided, single submitter. Criteria: Invitae Variant Classification Sherloc (09022015). Collection method: clinical testing. Allele origin: germline.
Comment: In summary, the available evidence is currently insufficient to determine the role of this variant in disease. Therefore, it has been classified as a Variant of Uncertain Significance. Algorithms developed to predict the effect of missense changes on protein structure and function are either unavailable or do not agree on the potential impact of this missense change (SIFT: "Not Available"; PolyPhen-2: "Benign"; Align-GVGD: "Not Available"). This variant has not been reported in the literature in individuals affected with ATF6-related conditions. Information on the frequency of this variant in the gnomAD database is not available, as this variant may be reported differently in the database. This sequence change replaces glycine, which is neutral and non-polar, with tyrosine, which is neutral and polar, at codon 432 of the ATF6 protein (p.Gly432Tyr).